The following is an entry in ClinVar:

NM_001042750.2(STAG2):c.668-15_668-10del

Gene: STAG2 (STAG2 cohesin complex component; plus strand). Cytogenetic location: Xq25.
Variant type: Deletion.
Coding change: c.668-15_668-10del on transcript NM_001042750.2 (MANE Select); 15 bases into the intron before coding-DNA position 668 through 10 bases into the intron before coding-DNA position 668, 6 bases deleted (ACTCTT; older notation c.668-15_668-10delACTCTT).
Molecular consequence: intron variant.
Genome position (GRCh38, 1-based): chrX:124,047,339-124,047,344, ACTCTT deleted; deleting any 6 consecutive bases within chrX:124,047,337-124,047,344 gives the same sequence; the c. name uses the placement nearest the transcript's 3' end. VCF-style (leftmost placement, unchanged base first): chrX-124047336-TTTACTC-T. GRCh37 (hg19) VCF-style: chrX-123181186-TTTACTC-T.
Other names: c.668-15_668-10del (NM_001042749.2, NM_001375366.1, NM_001375373.1 and 13 more transcripts).
Identifiers: ClinVar variation 2128911 (VCV002128911.5), dbSNP rs2521316964, ClinGen allele CA2580100327.

ClinVar aggregate classification (germline): Uncertain significance. Review status: criteria provided, multiple submitters, no conflicts (2 of 4 stars). 2 submissions from 2 submitters: Uncertain significance (2). Last evaluated 2025-12-26.

Conditions:
Mullegama-Klein-Martinez syndrome. Also called: NEURODEVELOPMENTAL DISORDER, X-LINKED, WITH CRANIOFACIAL ABNORMALITIES. Identifiers: MedGen C5193008, MONDO:0026722, OMIM 301022.

Submissions (2):

Clinical Genomics Laboratory, Washington University in St. Louis
Classification: Uncertain significance for Mullegama-Klein-Martinez syndrome. Last evaluated: 2025-12-26. Review status: criteria provided, single submitter. Criteria: ACMG Guidelines, 2015. Collection method: clinical testing. Allele origin: germline.
Comment: The STAG2 c.668-15_668-10del variant, to our knowledge, has not been reported in the medical literature and is absent from the general population (gnomAD v.4.1.0), indicating it is not a common variant. Computational predictors indicate that this variant may alter splicing by creating a novel acceptor site 17 bp upstream in the intron evidence that correlates to an impact of this variant on STAG2 function. Due to limited information, and based on ACMG/AMP guidelines for variant interpretation (Richards S et al., PMID: 25741868), the clinical significance of this variant is uncertain at this time.

Labcorp Genetics (formerly Invitae), Labcorp
Classification: Uncertain significance. Last evaluated: 2022-04-21. Review status: criteria provided, single submitter. Criteria: Invitae Variant Classification Sherloc (09022015). Collection method: clinical testing. Allele origin: germline.
Comment: Algorithms developed to predict the effect of sequence changes on RNA splicing suggest that this variant may create or strengthen a splice site. In summary, the available evidence is currently insufficient to determine the role of this variant in disease. Therefore, it has been classified as a Variant of Uncertain Significance. This variant has not been reported in the literature in individuals affected with STAG2-related conditions. This variant is not present in population databases (gnomAD no frequency). This sequence change falls in intron 8 of the STAG2 gene. It does not directly change the encoded amino acid sequence of the STAG2 protein.